The following is an entry in ClinVar:

ClinVar aggregate classification (germline): Conflicting classifications of pathogenicity. Review status: criteria provided, conflicting classifications (1 of 4 stars). 3 submissions from 3 submitters: Uncertain significance (1); Benign (1). 1 of the submissions does not count toward it. Last evaluated 2025-01-27.

Conditions:
MYO5B-related disorder. Also called: MYO5B-related condition.
Congenital microvillous atrophy (DIAR2). Also called: DAVIDSON DISEASE; MICROVILLUS ATROPHY, CONGENITAL; Microvillus inclusion disease; Diarrhea 2 with microvillus atrophy, with or without cholestasis; CONGENITAL FAMILIAL PROTRACTED DIARRHEA WITH ENTEROCYTE BRUSH-BORDER ABNORMALITIES. Identifiers: Orphanet 2290, MedGen C0341306, MONDO:0009635, OMIM 251850.

Allele frequency attached by ClinVar (database versions not stated): gnomAD exomes 0.00004 and 0.00026; gnomAD 0.00006 and 0.00007; TOPMed 0.00008; ExAC 0.00023; 1000 Genomes Project 0.00040; 1000 Genomes Project 30x 0.00047.
gnomAD v4.1: 74 of 1,614,024 alleles (0.0046%); highest among the groups gnomAD compares: East Asian, 0.14%; no homozygotes.

Submissions (3):

Labcorp Genetics (formerly Invitae), Labcorp
Classification: Benign. Last evaluated: 2025-01-27. Review status: criteria provided, single submitter. Criteria: Invitae Variant Classification Sherloc (09022015). Collection method: clinical testing. Allele origin: germline.

Illumina Laboratory Services, Illumina
Classification: Uncertain significance for Congenital microvillous atrophy. Last evaluated: 2018-01-13. Review status: criteria provided, single submitter. Criteria: ICSL Variant Classification Criteria 13 December 2019. Collection method: clinical testing. Allele origin: germline.

PreventionGenetics, part of Exact Sciences
Classification: Likely benign for MYO5B-related condition. Last evaluated: 2024-06-21. Review status: no assertion criteria provided. Collection method: clinical testing. Allele origin: germline. Not counted in ClinVar's aggregate classification.
Comment: This variant is classified as likely benign based on ACMG/AMP sequence variant interpretation guidelines (Richards et al. 2015 PMID: 25741868, with internal and published modifications).

NM_001080467.3(MYO5B):c.455+8T>C

Gene: MYO5B (myosin VB; minus strand). Cytogenetic location: 18q21.1.
Variant type: single nucleotide variant.
Coding change: c.455+8T>C on transcript NM_001080467.3 (MANE Select); 8 bases into the intron after coding-DNA position 455, T replaced by C.
Molecular consequence: intron variant.
Genome position (GRCh38, 1-based): chr18:50,036,842, A>G on the plus strand (T>C on the coding strand, the complement: MYO5B is on the minus strand). VCF-style: chr18-50036842-A-G. GRCh37 (hg19) VCF-style: chr18-47563212-A-G.
Identifiers: ClinVar variation 327086 (VCV000327086.13), dbSNP rs373498192, ClinGen allele CA8961889.
Genomic context (GRCh38, chr18:50,036,842, plus strand): 5'-GAAGGTAAAAACTCCCCTTCCTGCCCACTGACTACTCAGGAGGACTTCTGGGCTGAGGAC[A>G]TTCTCACCTGGCCATCTGCTTGTAGGCTTCTTCTGCCACAGCAAAGATGTGGGGGTCCAT-3'